The following is an entry in ClinVar:

NM_006005.3(WFS1):c.2249C>T (p.Ala750Val)

Gene: WFS1 (wolframin ER transmembrane glycoprotein; plus strand). Cytogenetic location: 4p16.1.
Variant type: single nucleotide variant.
Coding change: c.2249C>T on transcript NM_006005.3 (MANE Select); coding-DNA position 2249, C replaced by T.
Protein change: p.Ala750Val; replaces alanine 750 with valine.
Molecular consequence: missense variant.
Genome position (GRCh38, 1-based): chr4:6,302,044, C>T. VCF-style: chr4-6302044-C-T. GRCh37 (hg19) VCF-style: chr4-6303771-C-T.
Other names: c.2249C>T, p.Ala750Val (NM_001145853.1); short protein forms A750V.
Identifiers: ClinVar variation 2842594 (VCV002842594.4), dbSNP rs1364719469, ClinGen allele CA356178218.

ClinVar aggregate classification (germline): Uncertain significance. Review status: criteria provided, multiple submitters, no conflicts (2 of 4 stars). 2 submissions from 2 submitters: Uncertain significance (2). Last evaluated 2024-09-03.

Submissions (2):

Blueprint Genetics
Classification: Uncertain significance. Last evaluated: 2024-09-03. Review status: criteria provided, single submitter. Criteria: ACMG Guidelines, 2015. Collection method: clinical testing. Allele origin: germline.

Labcorp Genetics (formerly Invitae), Labcorp
Classification: Uncertain significance. Last evaluated: 2023-03-16. Review status: criteria provided, single submitter. Criteria: Invitae Variant Classification Sherloc (09022015). Collection method: clinical testing. Allele origin: germline.
Comment: In summary, the available evidence is currently insufficient to determine the role of this variant in disease. Therefore, it has been classified as a Variant of Uncertain Significance. Advanced modeling of protein sequence and biophysical properties (such as structural, functional, and spatial information, amino acid conservation, physicochemical variation, residue mobility, and thermodynamic stability) performed at Invitae indicates that this missense variant is not expected to disrupt WFS1 protein function. This variant has not been reported in the literature in individuals affected with WFS1-related conditions. This variant is not present in population databases (gnomAD no frequency). This sequence change replaces alanine, which is neutral and non-polar, with valine, which is neutral and non-polar, at codon 750 of the WFS1 protein (p.Ala750Val).